The following is an entry in ClinVar:

ClinVar aggregate classification (germline): Uncertain significance (1 of 4 stars; one submission).

Conditions:
Inborn genetic diseases. Identifiers: MedGen C0950123, MeSH D030342.

Submission:

Ambry Genetics
Classification: Uncertain significance for Inborn genetic diseases. Last evaluated: 2025-02-01. Review status: criteria provided, single submitter. Criteria: Ambry Variant Classification Scheme 2023. Collection method: clinical testing. Allele origin: germline.
Comment: The p.G1137R variant (also known as c.3409G>A), located in coding exon 1 of the SAMD9L gene, results from a G to A substitution at nucleotide position 3409. The glycine at codon 1137 is replaced by arginine, an amino acid with dissimilar properties. This amino acid position is conserved. In addition, this alteration is predicted to be tolerated by in silico analysis. Based on the available evidence, the clinical significance of this variant remains unclear.

NM_152703.5(SAMD9L):c.3409G>A (p.Gly1137Arg)

Gene: SAMD9L (sterile alpha motif domain containing 9 like; minus strand). Cytogenetic location: 7q21.2.
Variant type: single nucleotide variant.
Coding change: c.3409G>A on transcript NM_152703.5 (MANE Select); coding-DNA position 3409, G replaced by A.
Protein change: p.Gly1137Arg; replaces glycine 1137 with arginine.
Molecular consequence: missense variant.
Genome position (GRCh38, 1-based): chr7:93,132,563, C>T on the plus strand (G>A on the coding strand, the complement: SAMD9L is on the minus strand). VCF-style: chr7-93132563-C-T. GRCh37 (hg19) VCF-style: chr7-92761876-C-T.
Other names: c.3409G>A, p.Gly1137Arg (NM_001303496.3, NM_001303497.3, NM_001303498.3 and 5 more transcripts); short protein forms G1137R.
Identifiers: ClinVar variation 3792377 (VCV003792377.1).